The following is an entry in ClinVar:

NM_016239.4(MYO15A):c.4462G>A (p.Val1488Ile)

Gene: MYO15A (myosin XVA; plus strand). Cytogenetic location: 17p11.2.
Variant type: single nucleotide variant.
Coding change: c.4462G>A on transcript NM_016239.4 (MANE Select); coding-DNA position 4462, G replaced by A.
Protein change: p.Val1488Ile; replaces valine 1488 with isoleucine.
Molecular consequence: missense variant.
Genome position (GRCh38, 1-based): chr17:18,133,366, G>A. VCF-style: chr17-18133366-G-A. GRCh37 (hg19) VCF-style: chr17-18036680-G-A.
Other names: c.4462G>A (NM_016239.3); short protein forms V1488I.
Identifiers: ClinVar variation 1120129 (VCV001120129.9), dbSNP rs748323602, ClinGen allele CA8423888.
Genomic context (GRCh38, chr17:18,133,366, plus strand): 5'-AGCAGTGAGGACCAGGACAGCATCTTCCGCATCCTGGCCTCCATCCTGCACCTGGGCAAC[G>A]TCTACTTTGAGAAGTATGAGGTGAGGGGACGCCACAGCCTGCCATGGGGCCCGCACCCTC-3'
Protein context (NP_057323.3, residues 1478-1498): ILASILHLGN[Val1488Ile]YFEKYETDAQ

ClinVar aggregate classification (germline): Uncertain significance. Review status: criteria provided, multiple submitters, no conflicts (2 of 4 stars). 4 submissions from 4 submitters: Uncertain significance (4). Last evaluated 2026-02-13.

Allele frequency attached by ClinVar (database versions not stated): TOPMed 0.00002; gnomAD exomes 0.00005 and 0.00003; gnomAD 0.00001 and 0.00002; ExAC 0.00005.
gnomAD v4.1: 52 of 1,614,064 alleles (0.0032%); highest among the groups gnomAD compares: South Asian, 0.013%; no homozygotes.

Submissions (4):

GeneDx
Classification: Uncertain significance. Last evaluated: 2026-02-13. Review status: criteria provided, single submitter. Criteria: GeneDx Variant Classification Process June 2021. Collection method: clinical testing. Allele origin: germline.
Comment: In silico analysis indicates that this missense variant does not alter protein structure/function; Has not been previously published as pathogenic or benign to our knowledge

Labcorp Genetics (formerly Invitae), Labcorp
Classification: Uncertain significance. Last evaluated: 2022-08-06. Review status: criteria provided, single submitter. Criteria: Invitae Variant Classification Sherloc (09022015). Collection method: clinical testing. Allele origin: germline.
Comment: This sequence change replaces valine, which is neutral and non-polar, with isoleucine, which is neutral and non-polar, at codon 1488 of the MYO15A protein (p.Val1488Ile). This variant is present in population databases (rs748323602, gnomAD 0.01%). This variant has not been reported in the literature in individuals affected with MYO15A-related conditions. ClinVar contains an entry for this variant (Variation ID: 1120129). Advanced modeling of protein sequence and biophysical properties (such as structural, functional, and spatial information, amino acid conservation, physicochemical variation, residue mobility, and thermodynamic stability) performed at Invitae indicates that this missense variant is not expected to disrupt MYO15A protein function. In summary, the available evidence is currently insufficient to determine the role of this variant in disease. Therefore, it has been classified as a Variant of Uncertain Significance.

Laboratory for Molecular Medicine, Mass General Brigham Personalized Medicine
Classification: Uncertain significance. Last evaluated: 2020-08-13. Review status: criteria provided, single submitter. Criteria: LMM Criteria. Collection method: clinical testing. Allele origin: germline. Observed: 1 variant allele.
Comment: he p.Val1488Ile variant in MYO15A has not been previously reported in individuals with hearing loss but has been identified in 0.01% (4/30594) of South Asian chromosomes by gnomAD. Computational prediction tools and conservation analyses do not provide strong support for or against an impact to the protein. In summary, the clinical significance of this variant is uncertain. ACMG/AMP Criteria applied: PM2_Supporting.

Breakthrough Genomics
Classification: Uncertain significance. Review status: criteria provided, single submitter. Criteria: ACMG Guidelines, 2015. Collection method: not provided. Allele origin: germline. Inheritance: Autosomal recessive inheritance. Affected: yes.